The following is an entry in ClinVar:

NC_000015.10:g.84817273C>T

Gene: ALPK3 (alpha kinase 3; plus strand). Cytogenetic location: 15q25.3.
Variant type: single nucleotide variant.
Genome position: GRCh38 VCF-style: chr15-84817273-C-T. GRCh37 (hg19) VCF-style: chr15-85360504-C-T.
Identifiers: ClinVar variation 3694912 (VCV003694912.2).

ClinVar aggregate classification (germline): Uncertain significance (1 of 4 stars; one submission).

Submission:

Labcorp Genetics (formerly Invitae), Labcorp
Classification: Uncertain significance. Last evaluated: 2024-05-04. Review status: criteria provided, single submitter. Criteria: Invitae Variant Classification Sherloc (09022015). Collection method: clinical testing. Allele origin: germline.
Comment: This sequence change replaces arginine, which is basic and polar, with tryptophan, which is neutral and slightly polar, at codon 143 of the ALPK3 protein (p.Arg143Trp). This variant is not present in population databases (gnomAD no frequency). This variant has not been reported in the literature in individuals affected with ALPK3-related conditions. Algorithms developed to predict the effect of missense changes on protein structure and function output the following: SIFT: "Not Available"; PolyPhen-2: "Possibly Damaging"; Align-GVGD: "Not Available". The tryptophan amino acid residue is found in multiple mammalian species, which suggests that this missense change does not adversely affect protein function. In summary, the available evidence is currently insufficient to determine the role of this variant in disease. Therefore, it has been classified as a Variant of Uncertain Significance.